The following is an entry in ClinVar:

NM_004982.4(KCNJ8):c.327_341dup (p.Gly114_Leu115insMetGluLysSerGly)

Genes: KCNJ8 (potassium inwardly rectifying channel subfamily J member 8; minus strand), KCNJ8-AS1 (KCNJ8 antisense RNA 1; plus strand). Cytogenetic location: 12p12.1.
Variant type: Duplication.
Coding change: c.327_341dup on transcript NM_004982.4 (MANE Select); coding-DNA positions 327 to 341, 15 bases duplicated (AATGGAGAAAAGTGG).
Protein change: p.Gly114_Leu115insMetGluLysSerGly.
Molecular consequence: inframe insertion.
Genome position (GRCh38, 1-based): chr12:21,773,276-21,773,290, CCACTTTTCTCCATT duplicated on the plus strand (AATGGAGAAAAGTGG on the coding strand, the reverse complement: KCNJ8 is on the minus strand); duplicating any 15 consecutive bases within chr12:21,773,276-21,773,304 gives the same sequence; the c. name uses the placement nearest the transcript's 3' end. VCF-style (leftmost placement, unchanged base first): chr12-21773275-A-ACCACTTTTCTCCATT. GRCh37 (hg19) VCF-style: chr12-21926209-A-ACCACTTTTCTCCATT.
Other names: c.327_341dupAATGGAGAAAAGTGG (NM_004982.2); c.327_341dup (NM_004982.2).
Identifiers: ClinVar variation 1729619 (VCV001729619.4), dbSNP rs751763460, ClinGen allele CA6480706.

ClinVar aggregate classification (germline): Uncertain significance. Review status: criteria provided, multiple submitters, no conflicts (2 of 4 stars). 3 submissions from 3 submitters: Uncertain significance (3). Last evaluated 2026-02-02.

Conditions:
Cardiovascular phenotype. Identifiers: MedGen CN230736.
Brugada syndrome. Also called: Sudden Unexplained Death Syndrome; Sudden Unexplained Nocturnal Death Syndrome (SUNDS); Sudden unexplained nocturnal death syndrome; Sudden unexpected nocturnal death syndrome. Identifiers: Orphanet 130, MedGen C1142166, MONDO:0015263.

Submissions (3):

Labcorp Genetics (formerly Invitae), Labcorp
Classification: Uncertain significance for Brugada syndrome. Last evaluated: 2026-02-02. Review status: criteria provided, single submitter. Criteria: Invitae Variant Classification Sherloc (09022015). Collection method: clinical testing. Allele origin: germline.
Comment: This variant, c.327_341dup, results in the insertion of 5 amino acid(s) of the KCNJ8 protein (p.Met110_Gly114dup), but otherwise preserves the integrity of the reading frame. This variant is present in population databases (rs751763460, gnomAD 0.01%). This variant has not been reported in the literature in individuals affected with KCNJ8-related conditions. ClinVar contains an entry for this variant (Variation ID: 1729619). Experimental studies and prediction algorithms are not available or were not evaluated, and the functional significance of this variant is currently unknown. In summary, the available evidence is currently insufficient to determine the role of this variant in disease. Therefore, it has been classified as a Variant of Uncertain Significance.

GeneDx
Classification: Uncertain significance. Last evaluated: 2025-04-01. Review status: criteria provided, single submitter. Criteria: GeneDx Variant Classification Process June 2021. Collection method: clinical testing. Allele origin: germline. Affected: yes.
Comment: In-frame duplication of 5 amino acids in a non-repeat region; Has not been previously published as pathogenic or benign to our knowledge; Variants in candidate genes are classified as variants of uncertain significance in accordance with ACMG guidelines (Richards et al., 2015)

Ambry Genetics
Classification: Uncertain significance for Cardiovascular phenotype. Last evaluated: 2022-07-12. Review status: criteria provided, single submitter. Criteria: Ambry Variant Classification Scheme 2023. Collection method: clinical testing. Allele origin: germline.
Comment: The c.327_341dup15 variant (also known as p.M110_G114dup), located in coding exon 1 of the KCNJ8 gene, results from an in-frame duplication of 15 nucleotides at nucleotide positions 327 to 341. This results in the duplication of 5 extra residues (MEKSG) between codons 110 and 114. This amino acid region is not well conserved in available vertebrate species. In addition, the in silico prediction for this alteration is inconclusive (Choi Y et al. PLoS ONE. 2012; 7(10):e46688). Since supporting evidence is limited at this time, the clinical significance of this alteration remains unclear.